The following is an entry in ClinVar:

NM_005726.6(TSFM):c.505C>T (p.Leu169Phe)

Gene: TSFM (Ts translation elongation factor, mitochondrial; plus strand). Cytogenetic location: 12q14.1.
Variant type: single nucleotide variant.
Coding change: c.505C>T on transcript NM_005726.6 (MANE Select); coding-DNA position 505, C replaced by T.
Protein change: p.Leu169Phe; replaces leucine 169 with phenylalanine.
Molecular consequence: missense variant. On other transcripts: intron variant (1).
Genome position (GRCh38, 1-based): chr12:57,793,007, C>T. VCF-style: chr12-57793007-C-T. GRCh37 (hg19) VCF-style: chr12-58186790-C-T.
Other names: c.568C>T, p.Leu190Phe (NM_001172696.2); c.505C>T, p.Leu169Phe (NM_001172697.2); c.484-3170C>T (NM_001172695.2); short protein forms L169F, L190F.
Identifiers: ClinVar variation 3366711 (VCV003366711.1).

ClinVar aggregate classification (germline): Uncertain significance (1 of 4 stars; one submission).

gnomAD v4.1: 5 of 1,613,812 alleles (0.00031%); highest among the groups gnomAD compares: Admixed American, 0.0017%; no homozygotes.

Submission:

Women's Health and Genetics/Laboratory Corporation of America, LabCorp
Classification: Uncertain significance. Last evaluated: 2024-08-20. Review status: criteria provided, single submitter. Criteria: LabCorp Variant Classification Summary - May 2015. Collection method: clinical testing. Allele origin: germline.
Comment: Variant summary: TSFM c.568C>T (p.Leu190Phe) results in a non-conservative amino acid change located in the Translation elongation factor EFTs/EF1B, dimerisation domain (IPR014039) of the encoded protein sequence. Four of four in-silico tools predict a damaging effect of the variant on protein function. The variant was absent in 251170 control chromosomes. The available data on variant occurrences in the general population are insufficient to allow any conclusion about variant significance. c.568C>T has been reported in the literature in at least one compound heterozygous individual affected with Combined Oxidative Phosphorylation Deficiency 3 (Perli_2019). These data do not allow any conclusion about variant significance. To our knowledge, no experimental evidence demonstrating an impact on protein function has been reported. The following publication has been ascertained in the context of this evaluation (PMID: 30911037). No submitters have cited clinical-significance assessments for this variant to ClinVar. Based on the evidence outlined above, the variant was classified as uncertain significance.

Literature cited by the submitters: PubMed 30911037.